The following is an entry in ClinVar:

NM_006361.6(HOXB13):c.46G>A (p.Glu16Lys)

Gene: HOXB13 (homeobox B13; minus strand). Cytogenetic location: 17q21.32.
Variant type: single nucleotide variant.
Coding change: c.46G>A on transcript NM_006361.6 (MANE Select); coding-DNA position 46, G replaced by A.
Protein change: p.Glu16Lys; replaces glutamic acid 16 with lysine.
Molecular consequence: missense variant.
Genome position (GRCh38, 1-based): chr17:48,728,548, C>T on the plus strand (G>A on the coding strand, the complement: HOXB13 is on the minus strand). VCF-style: chr17-48728548-C-T. GRCh37 (hg19) VCF-style: chr17-46805910-C-T.
Other names: short protein forms E16K.
Identifiers: ClinVar variation 1386034 (VCV001386034.10), dbSNP rs2143075611, ClinGen allele CA400109779.

ClinVar aggregate classification (germline): Uncertain significance. Review status: criteria provided, multiple submitters, no conflicts (2 of 4 stars). 2 submissions from 2 submitters: Uncertain significance (2). Last evaluated 2023-11-03.

Conditions:
Hereditary cancer-predisposing syndrome. Also called: Neoplastic Syndromes, Hereditary; Tumor predisposition; Hereditary neoplastic syndrome; Hereditary Cancer Syndrome. Identifiers: Orphanet 140162, MedGen C0027672, MeSH D009386, MONDO:0015356.

Submissions (2):

Ambry Genetics
Classification: Uncertain significance for Hereditary cancer-predisposing syndrome. Last evaluated: 2023-11-03. Review status: criteria provided, single submitter. Criteria: Ambry Variant Classification Scheme 2023. Collection method: clinical testing. Allele origin: germline.
Comment: The p.E16K variant (also known as c.46G>A), located in coding exon 1 of the HOXB13 gene, results from a G to A substitution at nucleotide position 46. The glutamic acid at codon 16 is replaced by lysine, an amino acid with similar properties. This amino acid position is well conserved in available vertebrate species. In addition, the in silico prediction for this alteration is inconclusive. Since supporting evidence is limited at this time, the clinical significance of this alteration remains unclear.

Labcorp Genetics (formerly Invitae), Labcorp
Classification: Uncertain significance. Last evaluated: 2023-09-28. Review status: criteria provided, single submitter. Criteria: Invitae Variant Classification Sherloc (09022015). Collection method: clinical testing. Allele origin: germline.
Comment: This variant has not been reported in the literature in individuals affected with HOXB13-related conditions. ClinVar contains an entry for this variant (Variation ID: 1386034). An algorithm developed to predict the effect of missense changes on protein structure and function (PolyPhen-2) suggests that this variant is likely to be tolerated. In summary, the available evidence is currently insufficient to determine the role of this variant in disease. Therefore, it has been classified as a Variant of Uncertain Significance. This variant is not present in population databases (gnomAD no frequency). This sequence change replaces glutamic acid, which is acidic and polar, with lysine, which is basic and polar, at codon 16 of the HOXB13 protein (p.Glu16Lys).